The following is an entry in ClinVar:

ClinVar aggregate classification (germline): Likely benign (0 of 4 stars; one submission).

Conditions:
ADAMTS3-related disorder. Also called: ADAMTS3-related condition.

Allele frequency attached by ClinVar (database versions not stated): ESP Exome Variant Server 0.00008; TOPMed 0.00008; gnomAD 0.00009; gnomAD exomes 0.00010; ExAC 0.00011.
gnomAD v4.1: 157 of 1,613,360 alleles (0.0097%); highest among the groups gnomAD compares: Middle Eastern, 0.23%; no homozygotes.

Submission:

PreventionGenetics, part of Exact Sciences
Classification: Likely benign for ADAMTS3-related condition. Last evaluated: 2019-05-01. Review status: no assertion criteria provided. Collection method: clinical testing. Allele origin: germline.
Comment: This variant is classified as likely benign based on ACMG/AMP sequence variant interpretation guidelines (Richards et al. 2015 PMID: 25741868, with internal and published modifications).

NM_014243.3(ADAMTS3):c.57A>G (p.Ser19=)

Gene: ADAMTS3 (ADAM metallopeptidase with thrombospondin type 1 motif 3; minus strand). Cytogenetic location: 4q13.3.
Variant type: single nucleotide variant.
Coding change: c.57A>G on transcript NM_014243.3 (MANE Select); coding-DNA position 57, A replaced by G.
Protein change: p.Ser19=; no amino-acid change (serine 19 retained).
Molecular consequence: synonymous variant.
Genome position (GRCh38, 1-based): chr4:72,568,706, T>C on the plus strand (A>G on the coding strand, the complement: ADAMTS3 is on the minus strand). VCF-style: chr4-72568706-T-C. GRCh37 (hg19) VCF-style: chr4-73434423-T-C.
Identifiers: ClinVar variation 3056027 (VCV003056027.2), dbSNP rs151177298, ClinGen allele CA2957368.
Genomic context (GRCh38, chr4:72,568,706, plus strand): 5'-AAAAGGTTGGGTTTGAGTTTTTTTTTATTGTTATTATTTTCCACTTACTTGTCCATCAGC[T>C]GAAGTCCTAACCTCTACCAGAGCGGCTGCTATCAACCAAAGTGACAGGAGAACCATCACG-3'
Protein context (NP_055058.2, residues 9-29): IAAALVEVRT[Ser19=]ADGQAGNEEM